The following is an entry in ClinVar:

ClinVar aggregate classification (germline): Conflicting classifications of pathogenicity. Review status: criteria provided, conflicting classifications (1 of 4 stars). 12 submissions from 11 submitters: Uncertain significance (9); Benign (1). 2 of the submissions do not count toward it. Last evaluated 2026-06-01.

Conditions:
Inborn genetic diseases. Identifiers: MedGen C0950123, MeSH D030342.
Amyotrophic lateral sclerosis type 4 (ALS4). Also called: NEURONOPATHY, DISTAL HEREDITARY MOTOR, WITH PYRAMIDAL FEATURES; AMYOTROPHIC LATERAL SCLEROSIS 4, JUVENILE. Identifiers: Orphanet 357043, MedGen C1865409, MONDO:0011223, OMIM 602433.
Spinocerebellar ataxia, autosomal recessive, with axonal neuropathy 2 (SCAN2). Also called: Ataxia-ocular apraxia-2; Ataxia with Oculomotor Apraxia; Ataxia with Oculomotor Apraxia Type 2; ATAXIA-OCULOMOTOR APRAXIA 2. Identifiers: Orphanet 64753, MedGen C1853761, MONDO:0018996, OMIM 606002.
SETX-related disorder. Also called: SETX-related disorders; SETX-related condition. Identifiers: MedGen CN239403.

Allele frequency attached by ClinVar (database versions not stated): gnomAD exomes 0.00001 and 0.00008; gnomAD 0.00004 and 0.00005; ExAC 0.00007; ESP Exome Variant Server 0.00008; TOPMed 0.00008.
gnomAD v4.1: 35 of 1,614,002 alleles (0.0022%); highest among the groups gnomAD compares: Admixed American, 0.017%; no homozygotes.

Submissions (12):

CeGaT Center for Human Genetics Tuebingen
Classification: Uncertain significance. Last evaluated: 2026-06-01. Review status: criteria provided, single submitter. Criteria: CeGaT Center For Human Genetics Tuebingen Variant Classification Criteria Version 2. Collection method: clinical testing. Allele origin: germline. Affected: yes. Observed: 1 variant allele.
Comment: SETX: PM2

PreventionGenetics, part of Exact Sciences
Classification: Uncertain significance for SETX-related condition. Last evaluated: 2026-02-17. Review status: criteria provided, single submitter. Criteria: ACMG Guidelines, 2015. Collection method: clinical testing. Allele origin: germline.
Comment: The SETX c.4865C>T variant is predicted to result in the amino acid substitution p.Pro1622Leu. This variant has been reported in an individual with amyotrophic lateral sclerosis (Cady et al. 2015. PubMed ID: 25382069). This variant is reported in 0.030% of alleles in individuals of East Asian descent in gnomAD. At this time, the clinical significance of this variant is uncertain due to the absence of conclusive functional and genetic evidence.

Women's Health and Genetics/Laboratory Corporation of America, LabCorp
Classification: Uncertain significance. Last evaluated: 2024-09-13. Review status: criteria provided, single submitter. Criteria: LabCorp Variant Classification Summary - May 2015. Collection method: clinical testing. Allele origin: germline.
Comment: Variant summary: SETX c.4865C>T (p.Pro1622Leu) results in a non-conservative amino acid change in the encoded protein sequence. Three of five in-silico tools predict a damaging effect of the variant on protein function. The variant allele was found at a frequency of 7.6e-05 in 251422 control chromosomes (gnomAD). This frequency is not significantly higher than estimated for a pathogenic variant in SETX causing Amyotrophic Lateral Sclerosis Type 4, allowing no conclusion about variant significance. c.4865C>T has been reported in the literature (Kars_2021, Cady_2016). These report(s) do not provide unequivocal conclusions about association of the variant with Amyotrophic Lateral Sclerosis Type 4. To our knowledge, no experimental evidence demonstrating an impact on protein function has been reported. The following publications have been ascertained in the context of this evaluation (PMID: 25382069, 34426522). ClinVar contains an entry for this variant (Variation ID: 448330). Based on the evidence outlined above, the variant was classified as uncertain significance.

Molecular Genetics, Royal Melbourne Hospital
Classification: Uncertain significance for Amyotrophic lateral sclerosis type 4. Last evaluated: 2023-11-05. Review status: criteria provided, single submitter. Criteria: ACMG Guidelines, 2015. Collection method: clinical testing. Allele origin: germline. Inheritance: Autosomal dominant inheritance.
Comment: This sequence change in SETX is predicted to replace proline with leucine at codon 1622, p.(Pro1622Leu). The proline residue is weakly conserved (100 vertebrates, UCSC), and is not located in an annotated domain. There is a moderate physicochemical difference between proline and leucine. The highest population minor allele frequency in the population database gnomAD v2.1 is 0.03% (6/19,954 alleles) in the East Asian population. This variant has been reported in at least one individual with amyotrophic lateral sclerosis (PMID: 25382069), and has been reported as likely benign and as a variant of uncertain significance (ClinVar ID: 448330). Computational evidence predicts a benign effect for the missense substitution (REVEL = 0.231). Based on the classification scheme RMH Modified ACMG/AMP Guidelines v1.6.1, this variant is classified as a VARIANT OF UNCERTAIN SIGNIFICANCE. Following criteria are met: BP4.

Genome-Nilou Lab
Classification: Uncertain significance for Spinocerebellar ataxia, autosomal recessive, with axonal neuropathy 2. Last evaluated: 2023-02-08. Review status: criteria provided, single submitter. Criteria: ACMG Guidelines, 2015. Collection method: clinical testing. Allele origin: germline.

Genome-Nilou Lab
Classification: Uncertain significance for Amyotrophic lateral sclerosis type 4. Last evaluated: 2023-02-08. Review status: criteria provided, single submitter. Criteria: ACMG Guidelines, 2015. Collection method: clinical testing. Allele origin: germline.

Labcorp Genetics (formerly Invitae), Labcorp
Classification: Benign for Amyotrophic lateral sclerosis type 4; Spinocerebellar ataxia, autosomal recessive, with axonal neuropathy 2. Last evaluated: 2022-12-06. Review status: criteria provided, single submitter. Criteria: Invitae Variant Classification Sherloc (09022015). Collection method: clinical testing. Allele origin: germline.

Ambry Genetics
Classification: Uncertain significance for Inborn genetic diseases. Last evaluated: 2022-05-03. Review status: criteria provided, single submitter. Criteria: Ambry Variant Classification Scheme 2023. Collection method: clinical testing. Allele origin: germline.
Comment: The p.P1622L variant (also known as c.4865C>T), located in coding exon 8 of the SETX gene, results from a C to T substitution at nucleotide position 4865. The proline at codon 1622 is replaced by leucine, an amino acid with similar properties. In addition, this alteration is predicted to be tolerated by in silico analysis. Based on the supporting evidence, this variant is unlikely to be causative of autosomal dominant juvenile amyotrophic lateral sclerosis 4 (ALS4); however, its contribution to the development of autosomal recessive spinocerebellar ataxia with axonal neuropathy 2 (SCAN2) is uncertain.

Fulgent Genetics
Classification: Uncertain significance for Amyotrophic lateral sclerosis type 4; Spinocerebellar ataxia, autosomal recessive, with axonal neuropathy 2. Last evaluated: 2018-10-31. Review status: criteria provided, single submitter. Criteria: ACMG Guidelines, 2015. Collection method: clinical testing. Allele origin: unknown.

Athena Diagnostics
Classification: Uncertain significance. Last evaluated: 2017-04-14. Review status: criteria provided, single submitter. Criteria: Athena Diagnostics Criteria. Collection method: clinical testing. Allele origin: germline.

Genome Diagnostics Laboratory, Amsterdam University Medical Center
Classification: Likely benign. Review status: no assertion criteria provided. Collection method: clinical testing. Allele origin: germline. Affected: yes. Study: VKGL Data-share Consensus. Not counted in ClinVar's aggregate classification.

Genome Diagnostics Laboratory, University Medical Center Utrecht
Classification: Likely benign. Review status: no assertion criteria provided. Collection method: clinical testing. Allele origin: germline. Affected: yes. Study: VKGL Data-share Consensus. Not counted in ClinVar's aggregate classification.

Literature cited by the submitters: PubMed 34426522 (cited by Women's Health and Genetics/Laboratory Corporation of America, LabCorp); PubMed 25382069 (cited by 4 submitters).

NM_015046.7(SETX):c.4865C>T (p.Pro1622Leu)

Gene: SETX (senataxin; minus strand). Cytogenetic location: 9q34.13.
Variant type: single nucleotide variant.
Coding change: c.4865C>T on transcript NM_015046.7 (MANE Select); coding-DNA position 4865, C replaced by T.
Protein change: p.Pro1622Leu; replaces proline 1622 with leucine.
Molecular consequence: missense variant.
Genome position (GRCh38, 1-based): chr9:132,326,733, G>A on the plus strand (C>T on the coding strand, the complement: SETX is on the minus strand). VCF-style: chr9-132326733-G-A. GRCh37 (hg19) VCF-style: chr9-135202120-G-A.
Other names: c.4865C>T, p.Pro1622Leu (NM_001351527.2, NM_001351528.2); short protein forms P1622L.
Identifiers: ClinVar variation 448330 (VCV000448330.17), dbSNP rs140781535, ClinGen allele CA5297121.